The following is an entry in ClinVar:

NM_001009944.3(PKD1):c.3421G>A (p.Gly1141Ser)

Gene: PKD1 (polycystin 1, transient receptor potential channel interacting; minus strand). Cytogenetic location: 16p13.3.
Variant type: single nucleotide variant.
Coding change: c.3421G>A on transcript NM_001009944.3 (MANE Select); coding-DNA position 3421, G replaced by A.
Protein change: p.Gly1141Ser; replaces glycine 1141 with serine.
Molecular consequence: missense variant.
Genome position (GRCh38, 1-based): chr16:2,111,746, C>T on the plus strand (G>A on the coding strand, the complement: PKD1 is on the minus strand). VCF-style: chr16-2111746-C-T. GRCh37 (hg19) VCF-style: chr16-2161747-C-T.
Other names: c.3421G>A, p.Gly1141Ser (NM_000296.4); short protein forms G1141S.
Identifiers: ClinVar variation 3889288 (VCV003889288.2).

ClinVar aggregate classification (germline): Uncertain significance. Review status: criteria provided, multiple submitters, no conflicts (2 of 4 stars). 2 submissions from 2 submitters: Uncertain significance (2). Last evaluated 2025-05-20.

Conditions:
Inborn genetic diseases. Identifiers: MedGen C0950123, MeSH D030342.
PKD1-related disorder. Also called: PKD1-related condition.

gnomAD v4.1: 35 of 1,601,154 alleles (0.0022%); highest among the groups gnomAD compares: South Asian, 0.0056%; no homozygotes.

Submissions (2):

PreventionGenetics, part of Exact Sciences
Classification: Uncertain significance for PKD1-related condition. Last evaluated: 2025-05-20. Review status: criteria provided, single submitter. Criteria: ACMG Guidelines, 2015. Collection method: clinical testing. Allele origin: germline.
Comment: The PKD1 c.3421G>A variant is predicted to result in the amino acid substitution p.Gly1141Ser. To our knowledge, this variant has not been reported in the literature. This variant is reported in 0.0051% of alleles in individuals of European (Non-Finnish) descent in gnomAD. At this time, the clinical significance of this variant is uncertain due to the absence of conclusive functional and genetic evidence.

Ambry Genetics
Classification: Uncertain significance for Inborn genetic diseases. Last evaluated: 2025-01-13. Review status: criteria provided, single submitter. Criteria: Ambry Variant Classification Scheme 2023. Collection method: clinical testing. Allele origin: germline.
Comment: The c.3421G>A (p.G1141S) alteration is located in exon 15 (coding exon 15) of the PKD1 gene. This alteration results from a G to A substitution at nucleotide position 3421, causing the glycine (G) at amino acid position 1141 to be replaced by a serine (S). This alteration is predicted to be tolerated by in silico analysis. Based on insufficient or conflicting evidence, the clinical significance of this alteration remains unclear.